The following is an entry in ClinVar:

NM_005002.5(NDUFA9):c.896G>A (p.Arg299Gln)

Gene: NDUFA9 (NADH:ubiquinone oxidoreductase subunit A9; plus strand). Cytogenetic location: 12p13.32.
Variant type: single nucleotide variant.
Coding change: c.896G>A on transcript NM_005002.5 (MANE Select); coding-DNA position 896, G replaced by A.
Protein change: p.Arg299Gln; replaces arginine 299 with glutamine.
Molecular consequence: missense variant.
Genome position (GRCh38, 1-based): chr12:4,682,300, G>A. VCF-style: chr12-4682300-G-A. GRCh37 (hg19) VCF-style: chr12-4791466-G-A.
Other names: short protein forms R299Q.
Identifiers: ClinVar variation 2913362 (VCV002913362.3), dbSNP rs199859830, ClinGen allele CA6398266.

ClinVar aggregate classification (germline): Uncertain significance (1 of 4 stars; one submission).

Allele frequency attached by ClinVar (database versions not stated): gnomAD 0.00001; TOPMed 0.00001; gnomAD exomes 0.00008; ExAC 0.00009; 1000 Genomes Project 30x 0.00016; 1000 Genomes Project 0.00020.

Submission:

Labcorp Genetics (formerly Invitae), Labcorp
Classification: Uncertain significance. Last evaluated: 2024-04-25. Review status: criteria provided, single submitter. Criteria: Invitae Variant Classification Sherloc (09022015). Collection method: clinical testing. Allele origin: germline.
Comment: This sequence change replaces arginine, which is basic and polar, with glutamine, which is neutral and polar, at codon 299 of the NDUFA9 protein (p.Arg299Gln). This variant also falls at the last nucleotide of exon 9, which is part of the consensus splice site for this exon. This variant is present in population databases (rs199859830, gnomAD 0.08%), and has an allele count higher than expected for a pathogenic variant. This variant has not been reported in the literature in individuals affected with NDUFA9-related conditions. Algorithms developed to predict the effect of missense changes on protein structure and function output the following: SIFT: "Not Available"; PolyPhen-2: "Benign"; Align-GVGD: "Not Available". The glutamine amino acid residue is found in multiple mammalian species, which suggests that this missense change does not adversely affect protein function. Variants that disrupt the consensus splice site are a relatively common cause of aberrant splicing (PMID: 17576681, 9536098). In summary, the available evidence is currently insufficient to determine the role of this variant in disease. Therefore, it has been classified as a Variant of Uncertain Significance.

Literature cited by the submitters: PubMed 17576681; PubMed 9536098.